The following is an entry in ClinVar:

NM_002609.4(PDGFRB):c.1616T>C (p.Leu539Pro)

Gene: PDGFRB (platelet derived growth factor receptor beta; minus strand). Cytogenetic location: 5q32.
Variant type: single nucleotide variant.
Coding change: c.1616T>C on transcript NM_002609.4 (MANE Select); coding-DNA position 1616, T replaced by C.
Protein change: p.Leu539Pro; replaces leucine 539 with proline.
Molecular consequence: missense variant.
Genome position (GRCh38, 1-based): chr5:150,126,578, A>G on the plus strand (T>C on the coding strand, the complement: PDGFRB is on the minus strand). VCF-style: chr5-150126578-A-G. GRCh37 (hg19) VCF-style: chr5-149506141-A-G.
Other names: c.1424T>C, p.Leu475Pro (NM_001355016.2); c.1133T>C, p.Leu378Pro (NM_001355017.2); short protein forms L378P, L475P, L539P.
Identifiers: ClinVar variation 2412878 (VCV002412878.3), dbSNP rs2481207576, ClinGen allele CA361713471.

ClinVar aggregate classification (germline): Uncertain significance (1 of 4 stars; one submission).

Allele frequency attached by ClinVar (database versions not stated): gnomAD exomes below 0.00001.
gnomAD v4.1: 1 of 1,610,684 alleles (0.000062%); highest among the groups gnomAD compares: Non-Finnish European, 0.000085%; no homozygotes.

Submission:

GeneDx
Classification: Uncertain significance. Last evaluated: 2022-07-25. Review status: criteria provided, single submitter. Criteria: GeneDx Variant Classification Process June 2021. Collection method: clinical testing. Allele origin: germline. Affected: yes.
Comment: Not observed at significant frequency in large population cohorts (gnomAD); In silico analysis supports that this missense variant has a deleterious effect on protein structure/function; Has not been previously published as pathogenic or benign to our knowledge